The following is an entry in ClinVar:

ClinVar aggregate classification (germline): Uncertain significance (1 of 4 stars; one submission).

Allele frequency attached by ClinVar (database versions not stated): gnomAD exomes 0.00002; TOPMed 0.00002; gnomAD 0.00004; ExAC 0.00007; 1000 Genomes Project 30x 0.00031; 1000 Genomes Project 0.00040.
gnomAD v4.1: 29 of 1,613,658 alleles (0.0018%); highest among the groups gnomAD compares: East Asian, 0.063%; no homozygotes.

Submission:

Labcorp Genetics (formerly Invitae), Labcorp
Classification: Uncertain significance. Last evaluated: 2023-07-26. Review status: criteria provided, single submitter. Criteria: Invitae Variant Classification Sherloc (09022015). Collection method: clinical testing. Allele origin: germline.
Comment: This variant has not been reported in the literature in individuals affected with YME1L1-related conditions. In summary, the available evidence is currently insufficient to determine the role of this variant in disease. Therefore, it has been classified as a Variant of Uncertain Significance. An algorithm developed to predict the effect of missense changes on protein structure and function (PolyPhen-2) suggests that this variant is likely to be tolerated. This variant is present in population databases (rs202176180, gnomAD 0.1%), and has an allele count higher than expected for a pathogenic variant. This sequence change replaces lysine, which is basic and polar, with isoleucine, which is neutral and non-polar, at codon 146 of the YME1L1 protein (p.Lys146Ile).

NM_014263.4(YME1L1):c.266A>T (p.Lys89Ile)

Gene: YME1L1 (YME1 like 1 ATPase; minus strand). Cytogenetic location: 10p12.1.
Variant type: single nucleotide variant.
Coding change: c.266A>T on transcript NM_014263.4 (MANE Select); coding-DNA position 266, A replaced by T.
Protein change: p.Lys89Ile; replaces lysine 89 with isoleucine.
Molecular consequence: missense variant.
Genome position (GRCh38, 1-based): chr10:27,145,493, T>A on the plus strand (A>T on the coding strand, the complement: YME1L1 is on the minus strand). VCF-style: chr10-27145493-T-A. GRCh37 (hg19) VCF-style: chr10-27434422-T-A.
Other names: c.266A>T, p.Lys89Ile (NM_001253866.2); c.437A>T, p.Lys146Ile (NM_139312.3); short protein forms K146I, K89I.
Identifiers: ClinVar variation 2768720 (VCV002768720.3), dbSNP rs202176180, ClinGen allele CA5449659.